The following is an entry in ClinVar:

NM_001384732.1(CPLANE1):c.9338A>G (p.Lys3113Arg)

Gene: CPLANE1 (ciliogenesis and planar polarity effector complex subunit 1; minus strand). Cytogenetic location: 5p13.2.
Variant type: single nucleotide variant.
Coding change: c.9338A>G on transcript NM_001384732.1 (MANE Select); coding-DNA position 9338, A replaced by G.
Protein change: p.Lys3113Arg; replaces lysine 3113 with arginine.
Molecular consequence: missense variant.
Genome position (GRCh38, 1-based): chr5:37,115,022, T>C on the plus strand (A>G on the coding strand, the complement: CPLANE1 is on the minus strand). VCF-style: chr5-37115022-T-C. GRCh37 (hg19) VCF-style: chr5-37115124-T-C.
Other names: c.9176A>G, p.Lys3059Arg (NM_023073.4); short protein forms K3059R, K3113R.
Identifiers: ClinVar variation 2013449 (VCV002013449.4), dbSNP rs1349649894, ClinGen allele CA359491952.
Genomic context (GRCh38, chr5:37,115,022, plus strand): 5'-TTTTGGAAGGTAACTGGAGACTGCGTAGCCTTTCTTACTGCTGCTTTGGCTCCACCAGCT[T>C]TTTTCTGTATGGTGAAAGTGGCAGTTCCTATACAGAGAGACAAACATTATTAGCCTTCCA-3'
Protein context (NP_001371661.1, residues 3103-3123): HGTATFTIQK[Lys3113Arg]AGGAKAAVRK

ClinVar aggregate classification (germline): Uncertain significance (1 of 4 stars; one submission).

Allele frequency attached by ClinVar (database versions not stated): gnomAD exomes below 0.00001.
gnomAD v4.1: 1 of 1,610,120 alleles (0.000062%); highest among the groups gnomAD compares: Admixed American, 0.0017%; no homozygotes.

Submission:

Labcorp Genetics (formerly Invitae), Labcorp
Classification: Uncertain significance. Last evaluated: 2022-07-21. Review status: criteria provided, single submitter. Criteria: Invitae Variant Classification Sherloc (09022015). Collection method: clinical testing. Allele origin: germline.
Comment: In summary, the available evidence is currently insufficient to determine the role of this variant in disease. Therefore, it has been classified as a Variant of Uncertain Significance. Advanced modeling of protein sequence and biophysical properties (such as structural, functional, and spatial information, amino acid conservation, physicochemical variation, residue mobility, and thermodynamic stability) performed at Invitae indicates that this missense variant is not expected to disrupt CPLANE1 protein function. This variant has not been reported in the literature in individuals affected with CPLANE1-related conditions. The frequency data for this variant in the population databases is considered unreliable, as metrics indicate poor data quality at this position in the gnomAD database. This sequence change replaces lysine, which is basic and polar, with arginine, which is basic and polar, at codon 3059 of the CPLANE1 protein (p.Lys3059Arg).